The following is an entry in ClinVar:

ClinVar aggregate classification (germline): Uncertain significance (1 of 4 stars; one submission).

Conditions:
Singleton-Merten syndrome 1 (SGMRT1). Also called: Widened medullary cavities of bone, aortic calcification, abnormal dentition, and muscular weakness; Syndrome of widened medullary cavities of the metacarpals and phalanges, aortic calcification and abnormal dentition. Identifiers: Orphanet 85191, MedGen C4225427, MONDO:0024535, OMIM 182250.
Aicardi-Goutieres syndrome 7 (AGS7). Identifiers: Orphanet 51, MedGen C3888244, MONDO:0014367, OMIM 615846.

Submission:

Labcorp Genetics (formerly Invitae), Labcorp
Classification: Uncertain significance for Aicardi-Goutieres syndrome 7; Singleton-Merten syndrome 1. Last evaluated: 2025-10-14. Review status: criteria provided, single submitter. Criteria: Invitae Variant Classification Sherloc (09022015). Collection method: clinical testing. Allele origin: germline.
Comment: This sequence change replaces valine, which is neutral and non-polar, with methionine, which is neutral and non-polar, at codon 791 of the IFIH1 protein (p.Val791Met). This variant is not present in population databases (gnomAD no frequency). This variant has not been reported in the literature in individuals affected with IFIH1-related conditions. Invitae Evidence Modeling of protein sequence and biophysical properties (such as structural, functional, and spatial information, amino acid conservation, physicochemical variation, residue mobility, and thermodynamic stability) has been performed for this missense variant. However, the output from this modeling did not meet the statistical confidence thresholds required to predict the impact of this variant on IFIH1 protein function. In summary, the available evidence is currently insufficient to determine the role of this variant in disease. Therefore, it has been classified as a Variant of Uncertain Significance.

NM_022168.4(IFIH1):c.2371G>A (p.Val791Met)

Gene: IFIH1 (interferon induced with helicase C domain 1; minus strand). Cytogenetic location: 2q24.2.
Variant type: single nucleotide variant.
Coding change: c.2371G>A on transcript NM_022168.4 (MANE Select); coding-DNA position 2371, G replaced by A.
Protein change: p.Val791Met; replaces valine 791 with methionine.
Molecular consequence: missense variant.
Genome position (GRCh38, 1-based): chr2:162,273,878, C>T on the plus strand (G>A on the coding strand, the complement: IFIH1 is on the minus strand). VCF-style: chr2-162273878-C-T. GRCh37 (hg19) VCF-style: chr2-163130388-C-T.
Other names: short protein forms V791M.
Identifiers: ClinVar variation 4789308 (VCV004789308.1).